The following is an entry in ClinVar:

NM_001002010.5(NT5C3A):c.727C>G (p.His243Asp)

Gene: NT5C3A (5'-nucleotidase, cytosolic IIIA; minus strand). Cytogenetic location: 7p14.3.
Variant type: single nucleotide variant.
Coding change: c.727C>G on transcript NM_001002010.5 (MANE Select); coding-DNA position 727, C replaced by G.
Protein change: p.His243Asp; replaces histidine 243 with aspartic acid.
Molecular consequence: missense variant. On other transcripts: intron variant (1).
Genome position (GRCh38, 1-based): chr7:33,015,837, G>C on the plus strand (C>G on the coding strand, the complement: NT5C3A is on the minus strand). VCF-style: chr7-33015837-G-C. GRCh37 (hg19) VCF-style: chr7-33055449-G-C.
Other names: c.625C>G, p.His209Asp (NM_001002009.3, NM_016489.14); c.589C>G, p.His197Asp (NM_001166118.3, NM_001356996.3, NM_001374336.1 and 1 more transcripts); c.628C>G, p.His210Asp (NM_001374335.1); c.526C>G, p.His176Asp (NM_001374339.1); c.694-1006C>G (NM_001374338.1); short protein forms H176D, H197D, H243D, H209D, H210D.
Identifiers: ClinVar variation 3687026 (VCV003687026.2).

ClinVar aggregate classification (germline): Uncertain significance (1 of 4 stars; one submission).

gnomAD v4.1: 4 of 1,610,006 alleles (0.00025%); highest among the groups gnomAD compares: Non-Finnish European, 0.00034%; no homozygotes.

Submission:

Labcorp Genetics (formerly Invitae), Labcorp
Classification: Uncertain significance. Last evaluated: 2024-06-25. Review status: criteria provided, single submitter. Criteria: Invitae Variant Classification Sherloc (09022015). Collection method: clinical testing. Allele origin: germline.
Comment: This sequence change replaces histidine, which is basic and polar, with aspartic acid, which is acidic and polar, at codon 209 of the NT5C3A protein (p.His209Asp). This variant is not present in population databases (gnomAD no frequency). This variant has not been reported in the literature in individuals affected with NT5C3A-related conditions. Advanced modeling of protein sequence and biophysical properties (such as structural, functional, and spatial information, amino acid conservation, physicochemical variation, residue mobility, and thermodynamic stability) performed at Invitae indicates that this missense variant is expected to disrupt NT5C3A protein function with a positive predictive value of 80%. In summary, the available evidence is currently insufficient to determine the role of this variant in disease. Therefore, it has been classified as a Variant of Uncertain Significance.